The following is an entry in ClinVar:

ClinVar aggregate classification (germline): Conflicting classifications of pathogenicity. Review status: criteria provided, conflicting classifications (1 of 4 stars). 9 submissions from 9 submitters: Uncertain significance (5); Benign (1); Likely benign (3). Last evaluated 2026-06-22.

Conditions:
Retinoblastoma (RB1). Also called: RETINOBLASTOMA, SOMATIC. Identifiers: Orphanet 790, MedGen C0035335, MeSH D012175, MONDO:0008380, OMIM 180200, HP:0009919. Disease mechanism: loss of function. Inheritance: Both sporadic and heritable forms are tested..
Hereditary cancer-predisposing syndrome. Also called: Neoplastic Syndromes, Hereditary; Hereditary neoplastic syndrome; Tumor predisposition; Hereditary Cancer Syndrome. Identifiers: Orphanet 140162, MedGen C0027672, MeSH D009386, MONDO:0015356.

Allele frequency attached by ClinVar (database versions not stated): gnomAD 0.00006; TOPMed 0.00007.
gnomAD v4.1: 71 of 1,613,528 alleles (0.0044%); highest among the groups gnomAD compares: Middle Eastern, 0.033%; no homozygotes.

Submissions (9):

Myriad Genetics, Inc.
Classification: Likely benign for Retinoblastoma. Last evaluated: 2026-06-22. Review status: criteria provided, single submitter. Criteria: Myriad Autosomal Dominant, Autosomal Recessive and X-Linked Classification Criteria (2023). Collection method: clinical testing. Allele origin: unknown.
Comment: This variant is considered likely benign. This variant has been observed at a population frequency that is significantly greater than expected given the associated disease prevalence and penetrance.

Labcorp Genetics (formerly Invitae), Labcorp
Classification: Benign for Retinoblastoma. Last evaluated: 2026-01-16. Review status: criteria provided, single submitter. Criteria: Invitae Variant Classification Sherloc (09022015). Collection method: clinical testing. Allele origin: germline.

Blueprint Genetics
Classification: Likely benign. Last evaluated: 2024-11-15. Review status: criteria provided, single submitter. Criteria: ACMG Guidelines, 2015. Collection method: clinical testing. Allele origin: germline.

All of Us Research Program, National Institutes of Health
Classification: Uncertain significance for Retinoblastoma. Last evaluated: 2024-08-29. Review status: criteria provided, single submitter. Criteria: ACMG Guidelines, 2015. Collection method: clinical testing. Allele origin: germline. Inheritance: Autosomal dominant inheritance. Observed: 23 variant alleles, 23 heterozygotes.
Comment: This missense variant replaces arginine with glutamine at codon 787 of the RB1 protein. Computational prediction is inconclusive regarding the impact of this variant on protein structure and function (internally defined REVEL score threshold 0.5 < inconclusive < 0.7, PMID: 27666373). To our knowledge, functional studies have not been reported for this variant. This variant has been reported in individuals affected with retinoblastoma but also in unaffected relatives (PMID: 15605413, 16269091). This variant has been identified in 16/282566 chromosomes in the general population by the Genome Aggregation Database (gnomAD). The available evidence is insufficient to determine the role of this variant in disease conclusively. Therefore, this variant is classified as a Variant of Uncertain Significance.

This study involves interpretation of variants in research participants for the purpose of population health screening. Participant phenotype was not available at the time of variant classification. Additional details can be found in publication PMID: 35346344, PMCID: PMC8962531

Color Diagnostics, LLC DBA Color Health
Classification: Uncertain significance for Retinoblastoma. Last evaluated: 2024-05-23. Review status: criteria provided, single submitter. Criteria: ACMG Guidelines, 2015. Collection method: clinical testing. Allele origin: germline.
Comment: This missense variant replaces arginine with glutamine at codon 787 of the RB1 protein. Computational prediction is inconclusive regarding the impact of this variant on protein structure and function. To our knowledge, functional studies have not been reported for this variant. This variant has been reported in individuals affected with retinoblastoma but also in unaffected relatives (PMID: 15605413, 16269091). This variant has been identified in 16/282566 chromosomes in the general population by the Genome Aggregation Database (gnomAD). The available evidence is insufficient to determine the role of this variant in disease conclusively. Therefore, this variant is classified as a Variant of Uncertain Significance.

Ambry Genetics
Classification: Likely benign for Hereditary cancer-predisposing syndrome. Last evaluated: 2019-06-17. Review status: criteria provided, single submitter. Criteria: Ambry Variant Classification Scheme 2023. Collection method: clinical testing. Allele origin: germline.

Mendelics
Classification: Uncertain significance for Retinoblastoma. Last evaluated: 2018-07-02. Review status: criteria provided, single submitter. Criteria: Mendelics Assertion Criteria 2017. Collection method: clinical testing. Allele origin: unknown.

CeGaT Center for Human Genetics Tuebingen
Classification: Uncertain significance. Last evaluated: 2017-12-01. Review status: criteria provided, single submitter. Criteria: CeGaT Center For Human Genetics Tuebingen Variant Classification Criteria Version 2. Collection method: clinical testing. Allele origin: germline. Affected: yes. Observed: 1 variant allele.

Laboratory for Molecular Medicine, Mass General Brigham Personalized Medicine
Classification: Uncertain significance. Last evaluated: 2016-06-16. Review status: criteria provided, single submitter. Criteria: LMM Criteria. Collection method: clinical testing. Allele origin: germline.
Comment: Variant identified in a genome or exome case(s) and assessed due to predicted null impact of the variant or pathogenic assertions in the literature or databases. Disclaimer: This variant has not undergone full assessment. The following are preliminary notes: Only 1 report

Literature cited by the submitters: PubMed 15605413 (cited by 3 submitters); PubMed 16269091 (cited by 3 submitters); PubMed 27283993 (cited by Ambry Genetics).

NM_000321.3(RB1):c.2360G>A (p.Arg787Gln)

Gene: RB1 (RB transcriptional corepressor 1; plus strand). Cytogenetic location: 13q14.2.
Variant type: single nucleotide variant.
Coding change: c.2360G>A on transcript NM_000321.3 (MANE Select); coding-DNA position 2360, G replaced by A.
Protein change: p.Arg787Gln; replaces arginine 787 with glutamine.
Molecular consequence: missense variant.
Genome position (GRCh38, 1-based): chr13:48,465,239, G>A. VCF-style: chr13-48465239-G-A. GRCh37 (hg19) VCF-style: chr13-49039375-G-A.
Other names: short protein forms R787Q.
Identifiers: ClinVar variation 403366 (VCV000403366.64), dbSNP rs748094394, ClinGen allele CA035361.